The following is an entry in ClinVar:

NM_004727.3(SLC24A1):c.1892C>T (p.Pro631Leu)

Gene: SLC24A1 (solute carrier family 24 member 1; plus strand). Cytogenetic location: 15q22.31.
Variant type: single nucleotide variant.
Coding change: c.1892C>T on transcript NM_004727.3 (MANE Select); coding-DNA position 1892, C replaced by T.
Protein change: p.Pro631Leu; replaces proline 631 with leucine.
Molecular consequence: missense variant. On other transcripts: intron variant (2).
Genome position (GRCh38, 1-based): chr15:65,638,129, C>T. VCF-style: chr15-65638129-C-T. GRCh37 (hg19) VCF-style: chr15-65930467-C-T.
Other names: c.1892C>T, p.Pro631Leu (NM_001301031.1); c.1891-1466C>T (NM_001301033.2, NM_001301032.1); short protein forms P631L.
Identifiers: ClinVar variation 887710 (VCV000887710.9), dbSNP rs771446643, ClinGen allele CA7620006.

ClinVar aggregate classification (germline): Uncertain significance. Review status: criteria provided, multiple submitters, no conflicts (2 of 4 stars). 3 submissions from 3 submitters: Uncertain significance (3). Last evaluated 2025-03-17.

Conditions:
Inborn genetic diseases. Identifiers: MedGen C0950123, MeSH D030342.
Congenital stationary night blindness 1D. Also called: Night blindness, congenital stationary (complete), 1D, autosomal recessive. Identifiers: Orphanet 215, MedGen C3151193, MONDO:0013450, OMIM 613830.

Allele frequency attached by ClinVar (database versions not stated): gnomAD 0.00001; ExAC 0.00002; gnomAD exomes 0.00002; TOPMed 0.00004.
gnomAD v4.1: 18 of 1,608,260 alleles (0.0011%); highest among the groups gnomAD compares: East Asian, 0.0045%; no homozygotes.

Submissions (3):

Labcorp Genetics (formerly Invitae), Labcorp
Classification: Uncertain significance. Last evaluated: 2025-03-17. Review status: criteria provided, single submitter. Criteria: Invitae Variant Classification Sherloc (09022015). Collection method: clinical testing. Allele origin: germline.
Comment: This sequence change replaces proline, which is neutral and non-polar, with leucine, which is neutral and non-polar, at codon 631 of the SLC24A1 protein (p.Pro631Leu). The frequency data for this variant in the population databases is considered unreliable, as metrics indicate poor data quality at this position in the gnomAD database. This variant has not been reported in the literature in individuals affected with SLC24A1-related conditions. ClinVar contains an entry for this variant (Variation ID: 887710). An algorithm developed to predict the effect of missense changes on protein structure and function outputs the following: PolyPhen-2: "Benign". The leucine amino acid residue is found in multiple mammalian species, which suggests that this missense change does not adversely affect protein function. In summary, the available evidence is currently insufficient to determine the role of this variant in disease. Therefore, it has been classified as a Variant of Uncertain Significance.

Ambry Genetics
Classification: Uncertain significance for Inborn genetic diseases. Last evaluated: 2021-08-12. Review status: criteria provided, single submitter. Criteria: Ambry Variant Classification Scheme 2023. Collection method: clinical testing. Allele origin: germline.

Illumina Laboratory Services, Illumina
Classification: Uncertain significance for Congenital stationary night blindness 1D. Last evaluated: 2018-01-13. Review status: criteria provided, single submitter. Criteria: ICSL Variant Classification Criteria 13 December 2019. Collection method: clinical testing. Allele origin: germline.